The following is an entry in ClinVar:

NM_014009.4(FOXP3):c.8A>T (p.Asn3Ile)

Gene: FOXP3 (forkhead box P3; minus strand). Cytogenetic location: Xp11.23.
Variant type: single nucleotide variant.
Coding change: c.8A>T on transcript NM_014009.4 (MANE Select); coding-DNA position 8, A replaced by T.
Protein change: p.Asn3Ile; replaces asparagine 3 with isoleucine.
Molecular consequence: missense variant.
Genome position (GRCh38, 1-based): chrX:49,258,498, T>A on the plus strand (A>T on the coding strand, the complement: FOXP3 is on the minus strand). VCF-style: chrX-49258498-T-A. GRCh37 (hg19) VCF-style: chrX-49114955-T-A.
Other names: c.8A>T, p.Asn3Ile (NM_001114377.2); short protein forms N3I.
Identifiers: ClinVar variation 4702638 (VCV004702638.1).
Genomic context (GRCh38, chrX:49,258,498, plus strand): 5'-GAGGCTCCTGGGGATGGGCCAAGGGCCAAGGAAGGGGCCGAGGGCTTGCCAGGCCTGGGG[T>A]TGGGCATCGGGTCCTTGTCCAAGGGCAGGCTGCGTAGACAATAGGGGAAAGGAGTCACAC-3'
Protein context (NP_054728.2, residues 1-13): MP[Asn3Ile]PRPGKPSAPS

ClinVar aggregate classification (germline): Uncertain significance (1 of 4 stars; one submission).

Conditions:
Insulin-dependent diabetes mellitus secretory diarrhea syndrome (IPEX). Also called: IMMUNODEFICIENCY, POLYENDOCRINOPATHY, AND ENTEROPATHY, X-LINKED; X-Linked Autoimmunity-Allergic Dysregulation Syndrome; Immune dysregulation-polyendocrinopathy-enteropathy-X-linked syndrome; IPEX and IPEX-Like; DIABETES MELLITUS, CONGENITAL INSULIN-DEPENDENT, WITH FATAL SECRETORY DIARRHEA; DIARRHEA, POLYENDOCRINOPATHY, FATAL INFECTION SYNDROME, X-LINKED. Identifiers: Orphanet 37042, MedGen C0342288, MONDO:0010580, OMIM 304790. Disease mechanism: loss of function.

gnomAD v4.1: 9 of 1,170,532 alleles (0.00077%); highest among the groups gnomAD compares: Non-Finnish European, 0.001%; no homozygotes.

Submission:

Labcorp Genetics (formerly Invitae), Labcorp
Classification: Uncertain significance for Insulin-dependent diabetes mellitus secretory diarrhea syndrome. Last evaluated: 2025-05-18. Review status: criteria provided, single submitter. Criteria: Invitae Variant Classification Sherloc (09022015). Collection method: clinical testing. Allele origin: germline.
Comment: This sequence change replaces asparagine, which is neutral and polar, with isoleucine, which is neutral and non-polar, at codon 3 of the FOXP3 protein (p.Asn3Ile). This variant is not present in population databases (gnomAD no frequency). This variant has not been reported in the literature in individuals affected with FOXP3-related conditions. Invitae Evidence Modeling of protein sequence and biophysical properties (such as structural, functional, and spatial information, amino acid conservation, physicochemical variation, residue mobility, and thermodynamic stability) has been performed for this missense variant. However, the output from this modeling did not meet the statistical confidence thresholds required to predict the impact of this variant on FOXP3 protein function. In summary, the available evidence is currently insufficient to determine the role of this variant in disease. Therefore, it has been classified as a Variant of Uncertain Significance.